The following is an entry in ClinVar:

ClinVar aggregate classification (germline): Pathogenic. Review status: criteria provided, single submitter (1 of 4 stars). 2 submissions from 2 submitters: Pathogenic (1). 1 of the submissions does not count toward it. Last evaluated 2023-12-01.

Conditions:
Hypertrophic osteoarthropathy, primary, autosomal recessive, 1 (PHOAR1). Also called: PHO, AUTOSOMAL RECESSIVE. Identifiers: Orphanet 1525, Orphanet 2796, MedGen C4551679, MONDO:0024546, OMIM 259100.

Allele frequency attached by ClinVar (database versions not stated): TOPMed below 0.00001; gnomAD 0.00001.

Submissions (2):

Labcorp Genetics (formerly Invitae), Labcorp
Classification: Pathogenic. Last evaluated: 2023-12-01. Review status: criteria provided, single submitter. Criteria: Invitae Variant Classification Sherloc (09022015). Collection method: clinical testing. Allele origin: germline.
Comment: This sequence change affects the initiator methionine of the HPGD mRNA. The next in-frame methionine is located at codon 122. This variant is present in population databases (rs577045722, gnomAD 0.001%). Disruption of the initiator codon has been observed in individual(s) with primary hypertrophic osteoarthropathy (PMID: 19306095). It has also been observed to segregate with disease in related individuals. ClinVar contains an entry for this variant (Variation ID: 156026). For these reasons, this variant has been classified as Pathogenic.

OMIM
Classification: Pathogenic for HYPERTROPHIC OSTEOARTHROPATHY, PRIMARY, AUTOSOMAL RECESSIVE, 1. Last evaluated: 2009-11-01. Review status: no assertion criteria provided. Collection method: literature only. Allele origin: germline. Not counted in ClinVar's aggregate classification.

Literature cited by the submitters: PubMed 19306095 (cited by Labcorp Genetics (formerly Invitae), Labcorp and OMIM).

NM_000860.6(HPGD):c.1A>T (p.Met1Leu)

Gene: HPGD (15-hydroxyprostaglandin dehydrogenase; minus strand). Cytogenetic location: 4q34.1.
Variant type: single nucleotide variant.
Coding change: c.1A>T on transcript NM_000860.6 (MANE Select); coding-DNA position 1, A replaced by T.
Protein change: p.Met1Leu; changes the start codon (methionine 1).
Molecular consequence: missense variant, initiator codon variant. On other transcripts: 5 prime UTR variant (1), intron variant (1).
Genome position (GRCh38, 1-based): chr4:174,522,451, T>A on the plus strand (A>T on the coding strand, the complement: HPGD is on the minus strand). VCF-style: chr4-174522451-T-A. GRCh37 (hg19) VCF-style: chr4-175443602-T-A.
Other names: c.1A>T, p.Met1Leu (NM_001145816.3, NM_001256305.2, NM_001256306.2 and 1 more transcripts); c.-256A>T (NM_001256307.2); c.-271+173A>T (NM_001256301.1); short protein forms M1L.
Identifiers: ClinVar variation 156026 (VCV000156026.6), dbSNP rs577045722, ClinGen allele CA170750.